The following is an entry in ClinVar:

ClinVar aggregate classification (germline): Pathogenic (1 of 4 stars; one submission).

Conditions:
TH-deficient dopa-responsive dystonia. Also called: Tyrosine Hydroxylase-Deficient Dopa-Responsive Dystonia; Segawa syndrome, autosomal recessive; DYT-TH. Identifiers: Orphanet 101150, MedGen C2673535, MONDO:0011551, OMIM 605407.

Submission:

Labcorp Genetics (formerly Invitae), Labcorp
Classification: Pathogenic for TH-deficient dopa-responsive dystonia. Last evaluated: 2022-11-08. Review status: criteria provided, single submitter. Criteria: Invitae Variant Classification Sherloc (09022015). Collection method: clinical testing. Allele origin: germline.
Comment: For these reasons, this variant has been classified as Pathogenic. This variant disrupts a region of the TH protein in which other variant(s) (p.Val499Met) have been determined to be pathogenic (PMID: 29724574, 33072517). This suggests that this is a clinically significant region of the protein, and that variants that disrupt it are likely to be disease-causing. ClinVar contains an entry for this variant (Variation ID: 1390521). This variant has not been reported in the literature in individuals affected with TH-related conditions. This variant is not present in population databases (gnomAD no frequency). This sequence change creates a premature translational stop signal (p.Gln483*) in the TH gene. While this is not anticipated to result in nonsense mediated decay, it is expected to disrupt the last 46 amino acid(s) of the TH protein.

Literature cited by the submitters: PubMed 29724574; PubMed 33072517.

NM_000360.4(TH):c.1354C>T (p.Gln452Ter)

Gene: TH (tyrosine hydroxylase; minus strand). Cytogenetic location: 11p15.5.
Variant type: single nucleotide variant.
Coding change: c.1354C>T on transcript NM_000360.4 (MANE Select); coding-DNA position 1354, C replaced by T.
Protein change: p.Gln452Ter; replaces glutamine 452 with a stop codon.
Molecular consequence: nonsense.
Genome position (GRCh38, 1-based): chr11:2,164,373, G>A on the plus strand (C>T on the coding strand, the complement: TH is on the minus strand). VCF-style: chr11-2164373-G-A. GRCh37 (hg19) VCF-style: chr11-2185603-G-A.
Other names: c.1447C>T, p.Gln483Ter (NM_199292.3); c.1435C>T, p.Gln479Ter (NM_199293.3); short protein forms Q452*, Q479*, Q483*.
Identifiers: ClinVar variation 1390521 (VCV001390521.6), dbSNP rs2133686936, ClinGen allele CA379124634.